The following is an entry in ClinVar:

NM_001330691.3(CEP78):c.1298C>T (p.Ser433Phe)

Gene: CEP78 (centrosomal protein 78; plus strand). Cytogenetic location: 9q21.2.
Variant type: single nucleotide variant.
Coding change: c.1298C>T on transcript NM_001330691.3 (MANE Select); coding-DNA position 1298, C replaced by T.
Protein change: p.Ser433Phe; replaces serine 433 with phenylalanine.
Molecular consequence: missense variant.
Genome position (GRCh38, 1-based): chr9:78,254,882, C>T. VCF-style: chr9-78254882-C-T. GRCh37 (hg19) VCF-style: chr9-80869798-C-T.
Other names: c.1301C>T, p.Ser434Phe (NM_001098802.3, NM_001349839.2, NM_001349840.2 and 1 more transcripts); c.1298C>T, p.Ser433Phe (NM_001330693.3, NM_001330694.2, NM_001349838.2); short protein forms S433F, S434F.
Identifiers: ClinVar variation 1716888 (VCV001716888.5), dbSNP rs2489471761, ClinGen allele CA373860685.
Genomic context (GRCh38, chr9:78,254,882, plus strand): 5'-CCTCTTTTTTTAAGCAACCAGGTTTTCCTGTGACTGTGACAGTAGAGAGTCCTTCATCCT[C>T]TGAAGTTGAAGAGGTTGATGATTCTTCAGAGAGTGTTCATGAAGTGCCTGAGAAAACTAG-3'
Protein context (NP_001317620.1, residues 423-443): VTVTVESPSS[Ser433Phe]EVEEVDDSSE

ClinVar aggregate classification (germline): Uncertain significance (1 of 4 stars; one submission).

Allele frequency attached by ClinVar (database versions not stated): gnomAD exomes below 0.00001.
gnomAD v4.1: 1 of 1,611,748 alleles (0.000062%); highest among the groups gnomAD compares: Non-Finnish European, 0.000085%; no homozygotes.

Submission:

Labcorp Genetics (formerly Invitae), Labcorp
Classification: Uncertain significance. Last evaluated: 2022-08-19. Review status: criteria provided, single submitter. Criteria: Invitae Variant Classification Sherloc (09022015). Collection method: clinical testing. Allele origin: germline.
Comment: In summary, the available evidence is currently insufficient to determine the role of this variant in disease. Therefore, it has been classified as a Variant of Uncertain Significance. Algorithms developed to predict the effect of missense changes on protein structure and function are either unavailable or do not agree on the potential impact of this missense change (SIFT: "Deleterious"; PolyPhen-2: "Probably Damaging"; Align-GVGD: "Class C0"). This variant has not been reported in the literature in individuals affected with CEP78-related conditions. This variant is not present in population databases (gnomAD no frequency). This sequence change replaces serine, which is neutral and polar, with phenylalanine, which is neutral and non-polar, at codon 434 of the CEP78 protein (p.Ser434Phe).